The following is an entry in ClinVar:

NM_014915.3(ANKRD26):c.-82dup

Gene: ANKRD26 (ankyrin repeat domain 26; minus strand). Cytogenetic location: 10p12.1.
Variant type: Duplication.
Coding change: c.-82dup on transcript NM_014915.3 (MANE Select); 82 bases upstream of the start codon, one base duplicated (G; older notation c.-82dupG).
Molecular consequence: 5 prime UTR variant.
Genome position (GRCh38, 1-based): chr10:27,100,408, C duplicated on the plus strand (G on the coding strand, the reverse complement: ANKRD26 is on the minus strand); the first of 4 consecutive C bases (chr10:27,100,408-27,100,411); duplicating any one gives the same sequence. VCF-style (leftmost placement, unchanged base first): chr10-27100407-G-GC. GRCh37 (hg19) VCF-style: chr10-27389336-G-GC.
Other names: c.-82dup (NM_001256053.2).
Identifiers: ClinVar variation 3007071 (VCV003007071.3), dbSNP rs1589393653, ClinGen allele CA918629329.

ClinVar aggregate classification (germline): Uncertain significance (1 of 4 stars; one submission).

Submission:

Labcorp Genetics (formerly Invitae), Labcorp
Classification: Uncertain significance. Last evaluated: 2025-04-18. Review status: criteria provided, single submitter. Criteria: Invitae Variant Classification Sherloc (09022015). Collection method: clinical testing. Allele origin: germline.
Comment: This variant occurs in a non-coding region of the ANKRD26 gene. It does not change the encoded amino acid sequence of the ANKRD26 protein. This variant is not present in population databases (gnomAD no frequency). This variant has not been reported in the literature in individuals affected with ANKRD26-related conditions. ClinVar contains an entry for this variant (Variation ID: 3007071). Experimental studies and prediction algorithms are not available or were not evaluated, and the functional significance of this variant is currently unknown. In summary, the available evidence is currently insufficient to determine the role of this variant in disease. Therefore, it has been classified as a Variant of Uncertain Significance.